The following is an entry in ClinVar:

NM_014727.3(KMT2B):c.2265_2276del (p.Pro756_Gln759del)

Gene: KMT2B (lysine methyltransferase 2B; plus strand). Cytogenetic location: 19q13.12.
Variant type: Deletion.
Coding change: c.2265_2276del on transcript NM_014727.3 (MANE Select); coding-DNA positions 2265 to 2276, 12 bases deleted (ACCACAGCCACA).
Protein change: p.Pro756_Gln759del.
Genome position (GRCh38, 1-based): chr19:35,721,612-35,721,623, ACCACAGCCACA deleted. VCF-style (leftmost placement, unchanged base first): chr19-35721611-CACCACAGCCACA-C. GRCh37 (hg19) VCF-style: chr19-36212513-CACCACAGCCACA-C.
Identifiers: ClinVar variation 3361754 (VCV003361754.1).

ClinVar aggregate classification (germline): Uncertain significance (1 of 4 stars; one submission).

Submission:

GeneDx
Classification: Uncertain significance. Last evaluated: 2023-08-07. Review status: criteria provided, single submitter. Criteria: GeneDx Variant Classification Process June 2021. Collection method: clinical testing. Allele origin: germline. Affected: yes.
Comment: Not observed at significant frequency in large population cohorts (gnomAD); In-frame deletion of 4 amino acids in a non-repeat region; In silico analysis supports that this variant does not alter protein structure/function; Has not been previously published as pathogenic or benign to our knowledge